The following is an entry in ClinVar:

NM_177438.3(DICER1):c.847G>C (p.Asp283His)

Gene: DICER1 (dicer 1, ribonuclease III; minus strand). Cytogenetic location: 14q32.13.
Variant type: single nucleotide variant.
Coding change: c.847G>C on transcript NM_177438.3 (MANE Select); coding-DNA position 847, G replaced by C.
Protein change: p.Asp283His; replaces aspartic acid 283 with histidine.
Molecular consequence: missense variant.
Genome position (GRCh38, 1-based): chr14:95,126,636, C>G on the plus strand (G>C on the coding strand, the complement: DICER1 is on the minus strand). VCF-style: chr14-95126636-C-G. GRCh37 (hg19) VCF-style: chr14-95592973-C-G.
Other names: c.847G>C, p.Asp283His (NM_001195573.1, NM_001271282.3, NM_001291628.2 and 1 more transcripts); c.847G>C (NM_177438.2); short protein forms D283H.
Identifiers: ClinVar variation 1480988 (VCV001480988.10), dbSNP rs2140233019, ClinGen allele CA390887543.

ClinVar aggregate classification (germline): Uncertain significance. Review status: criteria provided, multiple submitters, no conflicts (2 of 4 stars). 2 submissions from 2 submitters: Uncertain significance (2). Last evaluated 2024-08-15.

Conditions:
DICER1-related tumor predisposition. Also called: DICER1-related pleuropulmonary blastoma cancer predisposition syndrome; DICER1 syndrome. Identifiers: Orphanet 284343, MedGen C3839822, MONDO:0100216.

Submissions (2):

Quest Diagnostics Nichols Institute San Juan Capistrano
Classification: Uncertain significance. Last evaluated: 2024-08-15. Review status: criteria provided, single submitter. Criteria: Quest Diagnostics criteria. Collection method: clinical testing. Allele origin: unknown.
Comment: The DICER1 c.847G>C (p.Asp283His) variant has not been reported in individuals with DICER1-related conditions in the published literature. It also has not been reported in large, multi-ethnic general populations (Genome Aggregation Database). Analysis of this variant using bioinformatics tools for the prediction of the effect of amino acid changes on protein structure and function yielded predictions that this variant is damaging. Based on the available information, we are unable to determine the clinical significance of this variant.

Labcorp Genetics (formerly Invitae), Labcorp
Classification: Uncertain significance for DICER1-related tumor predisposition. Last evaluated: 2021-02-15. Review status: criteria provided, single submitter. Criteria: Invitae Variant Classification Sherloc (09022015). Collection method: clinical testing. Allele origin: germline.
Comment: Algorithms developed to predict the effect of missense changes on protein structure and function are either unavailable or do not agree on the potential impact of this missense change (SIFT: "Deleterious"; PolyPhen-2: "Probably Damaging"; Align-GVGD: "Class C0"). In summary, the available evidence is currently insufficient to determine the role of this variant in disease. Therefore, it has been classified as a Variant of Uncertain Significance. This variant has not been reported in the literature in individuals with DICER1-related conditions. This variant is not present in population databases (ExAC no frequency). This sequence change replaces aspartic acid with histidine at codon 283 of the DICER1 protein (p.Asp283His). The aspartic acid residue is highly conserved and there is a moderate physicochemical difference between aspartic acid and histidine.